The following is an entry in ClinVar:

NM_139076.3(ABRAXAS1):c.682A>T (p.Ser228Cys)

Gene: ABRAXAS1 (abraxas 1, BRCA1 A complex subunit; minus strand). Cytogenetic location: 4q21.23.
Variant type: single nucleotide variant.
Coding change: c.682A>T on transcript NM_139076.3 (MANE Select); coding-DNA position 682, A replaced by T.
Protein change: p.Ser228Cys; replaces serine 228 with cysteine.
Molecular consequence: missense variant.
Genome position (GRCh38, 1-based): chr4:83,463,608, T>A on the plus strand (A>T on the coding strand, the complement: ABRAXAS1 is on the minus strand). VCF-style: chr4-83463608-T-A. GRCh37 (hg19) VCF-style: chr4-84384761-T-A.
Other names: c.355A>T, p.Ser119Cys (NM_001345962.2); short protein forms S228C, S119C.
Identifiers: ClinVar variation 4826166 (VCV004826166.1).

ClinVar aggregate classification (germline): Uncertain significance (1 of 4 stars; one submission).

Submission:

Ambry Genetics
Classification: Uncertain significance. Last evaluated: 2026-03-14. Review status: criteria provided, single submitter. Criteria: Ambry Variant Classification Scheme 2023. Collection method: clinical testing. Allele origin: germline.
Comment: The p.S228C variant (also known as c.682A>T) is located in coding exon 8 of the FAM175A gene. The serine at codon 228 is replaced by cysteine, an amino acid with dissimilar properties. This change occurs in the first base pair of coding exon 8. This amino acid position is conserved. In addition, this alteration is predicted to be tolerated by in silico analysis. Based on the available evidence, the clinical significance of this variant remains unclear.